The following is an entry in ClinVar:

ClinVar aggregate classification (germline): Pathogenic/Likely pathogenic. Review status: criteria provided, multiple submitters, no conflicts (2 of 4 stars). 7 submissions from 7 submitters: Pathogenic (3); Likely pathogenic (3). 1 of the submissions does not count toward it. Last evaluated 2025-06-05.

Conditions:
Carnitine deficiency. Identifiers: MedGen C1142132.
Renal carnitine transport defect (CDSP). Also called: Systemic primary carnitine deficiency; Carnitine transporter deficiency; Primary carnitine deficiency; Carnitine Deficiency, Systemic; Systemic primary carnitine deficiency disease; CARNITINE DEFICIENCY, SYSTEMIC, DUE TO DEFECT IN RENAL REABSORPTION OF CARNITINE. Identifiers: Orphanet 158, MedGen C0342788, MONDO:0008919, OMIM 212140.

Allele frequency attached by ClinVar (database versions not stated): TOPMed below 0.00001; gnomAD 0.00001.
gnomAD v4.1: 3 of 1,613,398 alleles (0.00019%); highest among the groups gnomAD compares: Non-Finnish European, 0.00025%; no homozygotes.

Submissions (7):

Natera, Inc.
Classification: Likely pathogenic for Carnitine deficiency. Last evaluated: 2025-06-05. Review status: criteria provided, single submitter. Criteria: Natera Variant Classification Schema (03/2026). Collection method: clinical testing. Allele origin: germline.
Comment: The c.56G>C variant in SLC22A5 is a missense variant predicted to cause substitution of arginine to proline at amino acid 19. This variant is rare in the general population with a frequency below the threshold expected for the associated phenotype(s). This variant has been observed in one or more individuals affected with the associated recessive disease, as either homozygous or compound heterozygous with a second variant (PMID: 11715001). Functional studies show that this variant may disrupt protein function (PMID: 11715001, 16652335). Computational prediction algorithms indicate this variant is likely to affect gene or protein function. Given the available evidence, this variant is classified as Likely Pathogenic.

Labcorp Genetics (formerly Invitae), Labcorp
Classification: Pathogenic for Renal carnitine transport defect. Last evaluated: 2024-08-28. Review status: criteria provided, single submitter. Criteria: Invitae Variant Classification Sherloc (09022015). Collection method: clinical testing. Allele origin: germline.
Comment: This sequence change replaces arginine, which is basic and polar, with proline, which is neutral and non-polar, at codon 19 of the SLC22A5 protein (p.Arg19Pro). This variant is not present in population databases (gnomAD no frequency). This missense change has been observed in individual(s) with carnitine deficiency (PMID: 11715001). In at least one individual the data is consistent with being in trans (on the opposite chromosome) from a pathogenic variant. ClinVar contains an entry for this variant (Variation ID: 25351). Invitae Evidence Modeling of protein sequence and biophysical properties (such as structural, functional, and spatial information, amino acid conservation, physicochemical variation, residue mobility, and thermodynamic stability) indicates that this missense variant is expected to disrupt SLC22A5 protein function with a positive predictive value of 95%. Experimental studies have shown that this missense change affects SLC22A5 function (PMID: 11715001, 16652335, 28841266). For these reasons, this variant has been classified as Pathogenic.

Fulgent Genetics
Classification: Likely pathogenic for Renal carnitine transport defect. Last evaluated: 2024-06-07. Review status: criteria provided, single submitter. Criteria: ACMG Guidelines, 2015. Collection method: clinical testing. Allele origin: germline.

Baylor Genetics
Classification: Likely pathogenic for Renal carnitine transport defect. Last evaluated: 2024-02-13. Review status: criteria provided, single submitter. Criteria: ACMG Guidelines, 2015. Collection method: clinical testing. Allele origin: unknown.

Genome-Nilou Lab
Classification: Pathogenic for Renal carnitine transport defect. Last evaluated: 2021-07-15. Review status: criteria provided, single submitter. Criteria: ACMG Guidelines, 2015. Collection method: clinical testing. Allele origin: germline. Affected: no.

Eurofins Ntd Llc (ga)
Classification: Pathogenic. Last evaluated: 2017-12-18. Review status: criteria provided, single submitter. Criteria: EGL Classification Definitions 2015. Collection method: clinical testing. Allele origin: germline. Observed: 2 variant alleles, 2 heterozygotes.

Counsyl
Classification: Uncertain significance for Renal carnitine transport defect. Last evaluated: 2017-08-28. Review status: no assertion criteria provided. Collection method: clinical testing. Allele origin: unknown. Not counted in ClinVar's aggregate classification.

Literature cited by the submitters: PubMed 11715001 (cited by Natera, Inc. and Labcorp Genetics (formerly Invitae), Labcorp); PubMed 16652335 (cited by 3 submitters); PubMed 28841266 (cited by Labcorp Genetics (formerly Invitae), Labcorp); PubMed 21922592 (cited by Counsyl).

NM_003060.4(SLC22A5):c.56G>C (p.Arg19Pro)

Gene: SLC22A5 (solute carrier family 22 member 5; plus strand). Cytogenetic location: 5q31.1.
Variant type: single nucleotide variant.
Coding change: c.56G>C on transcript NM_003060.4 (MANE Select); coding-DNA position 56, G replaced by C.
Protein change: p.Arg19Pro; replaces arginine 19 with proline.
Molecular consequence: missense variant.
Genome position (GRCh38, 1-based): chr5:132,370,028, G>C. VCF-style: chr5-132370028-G-C. GRCh37 (hg19) VCF-style: chr5-131705720-G-C.
Other names: c.56G>C, p.Arg19Pro (NM_001308122.2).
Identifiers: ClinVar variation 25351 (VCV000025351.22), dbSNP rs72552723, ClinGen allele CA342608.